The following is an entry in ClinVar:

NM_001369369.1(FOXN1):c.1465dup (p.Gln489fs)

Gene: FOXN1 (forkhead box N1; plus strand). Cytogenetic location: 17q11.2.
Variant type: Duplication.
Coding change: c.1465dup on transcript NM_001369369.1 (MANE Select); coding-DNA position 1465, one base duplicated (C; older notation c.1465dupC).
Protein change: p.Gln489fs; shifts the reading frame from glutamine 489.
Molecular consequence: frameshift variant.
Genome position (GRCh38, 1-based): chr17:28,535,036, C duplicated; the last of 6 consecutive C bases (chr17:28,535,031-28,535,036); duplicating any one gives the same sequence. VCF-style (leftmost placement, unchanged base first): chr17-28535030-A-AC. GRCh37 (hg19) VCF-style: chr17-26862048-A-AC.
Other names: c.1465dup, p.Gln489fs (NM_003593.3); short protein forms Q489fs.
Identifiers: ClinVar variation 3722792 (VCV003722792.3).
Genomic context (GRCh38, chr17:28,535,030, plus strand): 5'-CCCCCGCAGCCATTGTTCCCACAGCCGGACGGGCACCTTGAGCTGCGGGCCCAGCCAGGC[A>AC]CCCCCCAGGACTCGCCTCTGCCTGCCCACACCCCACCCAGCCACAGTGCCAAGCTACTGG-3'

ClinVar aggregate classification (germline): Pathogenic/Likely pathogenic. Review status: criteria provided, multiple submitters, no conflicts (2 of 4 stars). 2 submissions from 2 submitters: Pathogenic (1); Likely pathogenic (1). Last evaluated 2024-12-27.

Conditions:
T-cell immunodeficiency, congenital alopecia, and nail dystrophy. Also called: Congenital alopecia and nail dystrophy associated with severe functional T-cell immunodeficiency; Pignata Guarino syndrome. Identifiers: Orphanet 169095, MedGen C1866426, MONDO:0011132, OMIM 601705.
FOXN1-related disorders.

Submissions (2):

Labcorp Genetics (formerly Invitae), Labcorp
Classification: Pathogenic for T-cell immunodeficiency, congenital alopecia, and nail dystrophy. Last evaluated: 2024-12-27. Review status: criteria provided, single submitter. Criteria: Invitae Variant Classification Sherloc (09022015). Collection method: clinical testing. Allele origin: germline.
Comment: This sequence change creates a premature translational stop signal (p.Gln489Profs*40) in the FOXN1 gene. While this is not anticipated to result in nonsense mediated decay, it is expected to disrupt the last 160 amino acid(s) of the FOXN1 protein. This variant is not present in population databases (gnomAD no frequency). This variant has not been reported in the literature in individuals affected with FOXN1-related conditions. This variant disrupts a region of the FOXN1 protein in which other variant(s) (p.Gln489Argfs*61) have been determined to be pathogenic (PMID: 31566583; internal data). This suggests that this is a clinically significant region of the protein, and that variants that disrupt it are likely to be disease-causing. For these reasons, this variant has been classified as Pathogenic.

Blueprint Genetics
Classification: Likely pathogenic for FOXN1-related disorders. Last evaluated: 2024-11-24. Review status: criteria provided, single submitter. Criteria: ACMG Guidelines, 2015. Collection method: clinical testing. Allele origin: germline. Affected: yes. Observed: 1 variant allele.

Literature cited by the submitters: PubMed 31566583 (cited by Labcorp Genetics (formerly Invitae), Labcorp).